The following is an entry in ClinVar:

ClinVar aggregate classification (germline): Uncertain significance (1 of 4 stars; one submission).

Submission:

CeGaT Center for Human Genetics Tuebingen
Classification: Uncertain significance. Last evaluated: 2024-08-01. Review status: criteria provided, single submitter. Criteria: CeGaT Center For Human Genetics Tuebingen Variant Classification Criteria Version 2. Collection method: clinical testing. Allele origin: germline. Affected: yes. Observed: 1 variant allele.
Comment: CLCN3: PM1, PM2, PP3

NM_001829.4(CLCN3):c.716C>T (p.Ser239Phe)

Gene: CLCN3 (Cl-/H+ antiporter 3; plus strand). Cytogenetic location: 4q33.
Variant type: single nucleotide variant.
Coding change: c.716C>T on transcript NM_001829.4 (MANE Select); coding-DNA position 716, C replaced by T.
Protein change: p.Ser239Phe; replaces serine 239 with phenylalanine.
Molecular consequence: missense variant.
Genome position (GRCh38, 1-based): chr4:169,690,639, C>T. VCF-style: chr4-169690639-C-T. GRCh37 (hg19) VCF-style: chr4-170611790-C-T.
Other names: c.716C>T, p.Ser239Phe (NM_001243372.2, NM_173872.4); c.635C>T, p.Ser212Phe (NM_001243374.2); short protein forms S212F, S239F.
Identifiers: ClinVar variation 3342157 (VCV003342157.16).
Genomic context (GRCh38, chr4:169,690,639, plus strand): 5'-TGAGTTTTGCCTTTCTTGCAGTTTCCCTGGTAAAGGTATTTGCTCCATATGCCTGTGGCT[C>T]TGGAATTCCAGAGGTAAGCCAAGTAATATTTAGTGTCATTAAACATTATTATGATGCTTA-3'
Protein context (NP_001820.2, residues 229-249): VKVFAPYACG[Ser239Phe]GIPEIKTILS